The following is an entry in ClinVar:

NM_017654.4(SAMD9):c.3403A>G (p.Ile1135Val)

Gene: SAMD9 (sterile alpha motif domain containing 9; minus strand). Cytogenetic location: 7q21.2.
Variant type: single nucleotide variant.
Coding change: c.3403A>G on transcript NM_017654.4 (MANE Select); coding-DNA position 3403, A replaced by G.
Protein change: p.Ile1135Val; replaces isoleucine 1135 with valine.
Molecular consequence: missense variant.
Genome position (GRCh38, 1-based): chr7:93,102,695, T>C on the plus strand (A>G on the coding strand, the complement: SAMD9 is on the minus strand). VCF-style: chr7-93102695-T-C. GRCh37 (hg19) VCF-style: chr7-92732008-T-C.
Other names: c.3403A>G, p.Ile1135Val (NM_001193307.2); short protein forms I1135V.
Identifiers: ClinVar variation 1337472 (VCV001337472.18), dbSNP rs376829052, ClinGen allele CA4342706.

ClinVar aggregate classification (germline): Uncertain significance. Review status: criteria provided, multiple submitters, no conflicts (2 of 4 stars). 8 submissions from 8 submitters: Uncertain significance (7). 1 of the submissions does not count toward it. Last evaluated 2024-12-17.

Conditions:
Inborn genetic diseases. Identifiers: MedGen C0950123, MeSH D030342.
SAMD9-related disorder. Also called: SAMD9-related condition.
MIRAGE syndrome. Also called: MYELODYSPLASIA, INFECTION, RESTRICTION OF GROWTH, ADRENAL HYPOPLASIA, GENITAL PHENOTYPES, AND ENTEROPATHY. Identifiers: Orphanet 494433, MedGen C4284088, MONDO:0014888, OMIM 617053.
Monosomy 7 myelodysplasia and leukemia syndrome 2. Identifiers: MedGen C5436668, MONDO:0030801, OMIM 619041.
Normophosphatemic familial tumoral calcinosis. Also called: CALCINOSIS, TUMORAL, WITH NORMOPHOSPHATEMIA. Identifiers: Orphanet 306658, Orphanet 53715, MedGen C1864861, MONDO:0012502, OMIM 610455.

Allele frequency attached by ClinVar (database versions not stated): ExAC 0.00008; gnomAD exomes 0.00011 and 0.00015; TOPMed 0.00014; ESP Exome Variant Server 0.00015; gnomAD 0.00017 and 0.00018.
gnomAD v4.1: 240 of 1,613,798 alleles (0.015%); highest among the groups gnomAD compares: Non-Finnish European, 0.019%; no homozygotes.

Submissions (8):

Labcorp Genetics (formerly Invitae), Labcorp
Classification: Uncertain significance. Last evaluated: 2024-12-17. Review status: criteria provided, single submitter. Criteria: Invitae Variant Classification Sherloc (09022015). Collection method: clinical testing. Allele origin: germline.
Comment: This sequence change replaces isoleucine, which is neutral and non-polar, with valine, which is neutral and non-polar, at codon 1135 of the SAMD9 protein (p.Ile1135Val). This variant is present in population databases (rs376829052, gnomAD 0.02%). This variant has not been reported in the literature in individuals affected with SAMD9-related conditions. ClinVar contains an entry for this variant (Variation ID: 1337472). Invitae Evidence Modeling of protein sequence and biophysical properties (such as structural, functional, and spatial information, amino acid conservation, physicochemical variation, residue mobility, and thermodynamic stability) indicates that this missense variant is not expected to disrupt SAMD9 protein function with a negative predictive value of 95%. In summary, the available evidence is currently insufficient to determine the role of this variant in disease. Therefore, it has been classified as a Variant of Uncertain Significance.

Ambry Genetics
Classification: Uncertain significance for Inborn genetic diseases. Last evaluated: 2024-11-18. Review status: criteria provided, single submitter. Criteria: Ambry Variant Classification Scheme 2023. Collection method: clinical testing. Allele origin: germline.
Comment: The p.I1135V variant (also known as c.3403A>G), located in coding exon 1 of the SAMD9 gene, results from an A to G substitution at nucleotide position 3403. The isoleucine at codon 1135 is replaced by valine, an amino acid with highly similar properties. This amino acid position is conserved. In addition, this alteration is predicted to be tolerated by in silico analysis. Based on the available evidence, the clinical significance of this variant remains unclear.

ARUP Laboratories, Molecular Genetics and Genomics, ARUP Laboratories
Classification: Uncertain significance. Last evaluated: 2024-06-12. Review status: criteria provided, single submitter. Criteria: ARUP Molecular Germline Variant Investigation Process 2024. Collection method: clinical testing. Allele origin: germline.

GeneDx
Classification: Uncertain significance. Last evaluated: 2024-01-17. Review status: criteria provided, single submitter. Criteria: GeneDx Variant Classification Process June 2021. Collection method: clinical testing. Allele origin: germline. Affected: yes.
Comment: In silico analysis supports that this missense variant does not alter protein structure/function; Has not been previously published as pathogenic or benign to our knowledge; This variant is associated with the following publications: (PMID: 28545555)

Fulgent Genetics
Classification: Uncertain significance for Normophosphatemic familial tumoral calcinosis; MIRAGE syndrome; Monosomy 7 myelodysplasia and leukemia syndrome 2. Last evaluated: 2022-04-19. Review status: criteria provided, single submitter. Criteria: ACMG Guidelines, 2015. Collection method: clinical testing. Allele origin: unknown.

Genetic Services Laboratory, University of Chicago
Classification: Uncertain significance. Last evaluated: 2019-12-12. Review status: criteria provided, single submitter. Criteria: ACMG Guidelines, 2015. Collection method: clinical testing. Allele origin: germline. Affected: no.
Comment: DNA sequence analysis of the SAMD9 gene demonstrated a sequence change, c.3403A>G, in exon 3 that results in an amino acid change, p.Ile1135Val. This sequence change does not appear to have been previously described in patients with SAMD9-related disorders and has been described in the gnomAD database with a low population frequency of 0.021% in non-Finnish European subpopulation (rs376829052). The p.Ile1135Val change affects a poorly conserved amino acid residue located in a domain of the SAMD9 protein that is not known to be functional. In-silico pathogenicity prediction tools (SIFT, PolyPhen2, Align GVGD, REVEL and Splicing prediction program) provide contradictory results for the p.Ile1135Val substitution. Due to these contrasting evidences and the lack of functional studies, the clinical significance of the p.Ile1135Val change remains unknown at this time

Breakthrough Genomics
Classification: Uncertain significance. Review status: criteria provided, single submitter. Criteria: ACMG Guidelines, 2015. Collection method: not provided. Allele origin: germline. Inheritance: Autosomal recessive inheritance. Affected: yes.

PreventionGenetics, part of Exact Sciences
Classification: Uncertain significance for SAMD9-related condition. Last evaluated: 2024-06-14. Review status: no assertion criteria provided. Collection method: clinical testing. Allele origin: germline. Not counted in ClinVar's aggregate classification.
Comment: The SAMD9 c.3403A>G variant is predicted to result in the amino acid substitution p.Ile1135Val. To our knowledge, this variant has not been reported in the literature. This variant is reported in 0.021% of alleles in individuals of European (Non-Finnish) descent in gnomAD. This variant is classified as a variant of uncertain significance by multiple submitters in ClinVar. At this time, the clinical significance of this variant is uncertain due to the absence of conclusive functional and genetic evidence.